The following is an entry in ClinVar:

ClinVar aggregate classification (germline): Benign. Review status: criteria provided, multiple submitters, no conflicts (2 of 4 stars). 3 submissions from 3 submitters: Benign (3). Last evaluated 2025-10-22.

Conditions:
Microphthalmia with brain and digit anomalies (MCOPS6). Also called: Microphthalmia, syndromic 6; MICROPHTHALMIA AND PITUITARY ANOMALIES. Identifiers: Orphanet 139471, MedGen C1864689, MONDO:0011936, OMIM 607932.
Orofacial cleft 11 (OFC11). Also called: Orofacial cleft 11; ofc11; CLEFT LIP WITH OR WITHOUT CLEFT PALATE, NONSYNDROMIC, 11. Identifiers: MedGen C2677434, MONDO:0010906, OMIM 600625.

Allele frequency attached by ClinVar (database versions not stated): 1000 Genomes Project 30x 0.40849; 1000 Genomes Project 0.41014; TOPMed 0.41108.
gnomAD v4.1: 484,213 of 1,171,306 alleles (41%); highest among the groups gnomAD compares: Middle Eastern, 49%; 101,245 homozygotes.

Submissions (3):

Labcorp Genetics (formerly Invitae), Labcorp
Classification: Benign for Microphthalmia with brain and digit anomalies; Orofacial cleft 11. Last evaluated: 2025-10-22. Review status: criteria provided, single submitter. Criteria: Invitae Variant Classification Sherloc (09022015). Collection method: clinical testing. Allele origin: germline.

GeneDx
Classification: Benign. Last evaluated: 2018-06-26. Review status: criteria provided, single submitter. Criteria: GeneDx Variant Classification Process June 2021. Collection method: clinical testing. Allele origin: germline. Affected: yes.
Comment: This variant is associated with the following publications: (PMID: 27379672)

Breakthrough Genomics
Classification: Benign. Review status: criteria provided, single submitter. Criteria: ACMG Guidelines, 2015. Collection method: not provided. Allele origin: germline. Inheritance: Autosomal dominant inheritance. Affected: yes.

NM_001202.6(BMP4):c.370+160C>T

Gene: BMP4 (bone morphogenetic protein 4; minus strand). Cytogenetic location: 14q22.2.
Variant type: single nucleotide variant.
Coding change: c.370+160C>T on transcript NM_001202.6 (MANE Select); 160 bases into the intron after coding-DNA position 370, C replaced by T.
Molecular consequence: intron variant.
Genome position (GRCh38, 1-based): chr14:53,951,693, G>A on the plus strand (C>T on the coding strand, the complement: BMP4 is on the minus strand). VCF-style: chr14-53951693-G-A. GRCh37 (hg19) VCF-style: chr14-54418411-G-A.
Other names: c.511+160C>T (NM_001347912.1); c.370+160C>T (NM_130850.5, NM_001347916.1, NM_130851.4 and 1 more transcripts); c.181+160C>T (NM_001347913.2, NM_001347917.1, NM_001347915.2).
Identifiers: ClinVar variation 1167991 (VCV001167991.11), dbSNP rs2071047, ClinGen allele CA15804061.
Genomic context (GRCh38, chr14:53,951,693, plus strand): 5'-TGAGTGCTGTCATTCCCCTTCCCCTGAACACCTCCCCCTCTGTCTCCAAAAAATAAGTTC[G>A]GCGGCAGCTCTGCAAATTCTTGGAGGTAAGCAGCTCTGTTCCTCAGCCTCCTGGACTGGG-3'